The following is an entry in ClinVar:

NM_000304.4(PMP22):c.*26T>C

Gene: PMP22 (peripheral myelin protein 22; minus strand). Cytogenetic location: 17p12.
Variant type: single nucleotide variant.
Coding change: c.*26T>C on transcript NM_000304.4 (MANE Select); 26 bases downstream of the stop codon, T replaced by C.
Molecular consequence: 3 prime UTR variant. On other transcripts: non-coding transcript variant (2).
Genome position (GRCh38, 1-based): chr17:15,230,891, A>G on the plus strand (T>C on the coding strand, the complement: PMP22 is on the minus strand). VCF-style: chr17-15230891-A-G. GRCh37 (hg19) VCF-style: chr17-15134208-A-G.
Other names: c.*26T>C (NM_001281455.2, NM_001281456.2, NM_153321.3 and 1 more transcripts).
Identifiers: ClinVar variation 321860 (VCV000321860.8), dbSNP rs200563670, ClinGen allele CA8403282.

ClinVar aggregate classification (germline): Benign/Likely benign. Review status: criteria provided, multiple submitters, no conflicts (2 of 4 stars). 3 submissions from 2 submitters: Benign (1); Likely benign (2). Last evaluated 2020-09-13.

Conditions:
Charcot-Marie-Tooth disease, type I (CMT1). Also called: Charcot-Marie-Tooth, Type 1; Charcot-Marie-Tooth disease type 1. Identifiers: Orphanet 65753, MedGen C0751036, MONDO:0019011.
Hereditary liability to pressure palsies (HNPP). Also called: POLYNEUROPATHY, FAMILIAL RECURRENT; TOMACULOUS NEUROPATHY; Hereditary Neuropathy with Liability to Pressure Palsies. Identifiers: Orphanet 640, MedGen C0393814, MONDO:0008087, OMIM 162500.

Allele frequency attached by ClinVar (database versions not stated): gnomAD exomes 0.00003 and 0.00017; gnomAD 0.00006 and 0.00007; TOPMed 0.00009; ExAC 0.00013; 1000 Genomes Project 30x 0.00016; 1000 Genomes Project 0.00020.
gnomAD v4.1: 52 of 1,612,554 alleles (0.0032%); highest among the groups gnomAD compares: East Asian, 0.11%; no homozygotes.

Submissions (3):

GeneDx
Classification: Benign. Last evaluated: 2020-09-13. Review status: criteria provided, single submitter. Criteria: GeneDx Variant Classification Process June 2021. Collection method: clinical testing. Allele origin: germline. Affected: yes.

Illumina Laboratory Services, Illumina
Classification: Likely benign for Charcot-Marie-Tooth disease, type I. Last evaluated: 2018-01-13. Review status: criteria provided, single submitter. Criteria: ICSL Variant Classification Criteria 13 December 2019. Collection method: clinical testing. Allele origin: germline.
Comment: This variant was observed in the ICSL laboratory as part of a predisposition screen in an ostensibly healthy population. It had not been previously curated by ICSL or reported in the Human Gene Mutation Database (HGMD: prior to June 1st, 2018), and was therefore a candidate for classification through an automated scoring system. Utilizing variant allele frequency, disease prevalence and penetrance estimates, and inheritance mode, an automated score was calculated to assess if this variant is too frequent to cause the disease. Based on the score and internal cut-off values, a variant classified as likely benign is not then subjected to further curation. The score for this variant resulted in a classification of likely benign for this disease.

Illumina Laboratory Services, Illumina
Classification: Likely benign for Hereditary liability to pressure palsies. Last evaluated: 2018-01-13. Review status: criteria provided, single submitter. Criteria: ICSL Variant Classification Criteria 13 December 2019. Collection method: clinical testing. Allele origin: germline.
Comment: the same text as in the submission from Illumina Laboratory Services, Illumina above.